The following is an entry in ClinVar:

ClinVar aggregate classification (germline): Conflicting classifications of pathogenicity. Review status: criteria provided, conflicting classifications (1 of 4 stars). 5 submissions from 5 submitters: Uncertain significance (4); Likely benign (1). Last evaluated 2024-11-08.

Conditions:
Inborn genetic diseases. Identifiers: MedGen C0950123, MeSH D030342.
Polycystic kidney disease, adult type (PKD1). Also called: Polycystic Kidney Disease 1, Autosomal Dominant; Polycystic kidney disease 1; Polycystic kidney disease 1, severe; POLYCYSTIC KIDNEY DISEASE 1 WITH OR WITHOUT POLYCYSTIC LIVER DISEASE; POLYCYSTIC KIDNEY DISEASE, ADULT, TYPE I; Polycystic Kidney, Autosomal Dominant. Identifiers: MedGen C3149841, MONDO:0008263, OMIM 173900.

Allele frequency attached by ClinVar (database versions not stated): gnomAD exomes 0.00003 and 0.00006; TOPMed 0.00003; gnomAD 0.00004; ExAC 0.00008.
gnomAD v4.1: 80 of 1,526,718 alleles (0.0052%); highest among the groups gnomAD compares: Non-Finnish European, 0.0067%; no homozygotes.

Submissions (5):

GeneDx
Classification: Uncertain significance. Last evaluated: 2024-11-08. Review status: criteria provided, single submitter. Criteria: GeneDx Variant Classification Process June 2021. Collection method: clinical testing. Allele origin: germline. Affected: yes.
Comment: In silico analysis indicates that this missense variant does not alter protein structure/function; Has not been previously published as pathogenic or benign to our knowledge

Fulgent Genetics
Classification: Likely benign for Polycystic kidney disease, adult type. Last evaluated: 2024-03-15. Review status: criteria provided, single submitter. Criteria: ACMG Guidelines, 2015. Collection method: clinical testing. Allele origin: germline.

Ambry Genetics
Classification: Uncertain significance for Inborn genetic diseases. Last evaluated: 2023-02-15. Review status: criteria provided, single submitter. Criteria: Ambry Variant Classification Scheme 2023. Collection method: clinical testing. Allele origin: germline.

Centre of Medical Genetics, University Hospital Muenster
Classification: Uncertain significance. Last evaluated: 2022-11-15. Review status: criteria provided, single submitter. Criteria: ACMG Guidelines, 2015. Collection method: clinical testing. Allele origin: unknown. Affected: yes. Observed: 1 variant allele, 1 heterozygote.
Comment: ACMG categories: PM2,BP1

Department of Pathology and Laboratory Medicine, Sinai Health System
Classification: Uncertain significance for Polycystic kidney disease, adult type. Last evaluated: 2022-07-05. Review status: criteria provided, single submitter. Criteria: ACMG Guidelines, 2015. Collection method: clinical testing. Allele origin: germline. Affected: yes.

NM_001009944.3(PKD1):c.1603G>A (p.Gly535Arg)

Gene: PKD1 (polycystin 1, transient receptor potential channel interacting; minus strand). Cytogenetic location: 16p13.3.
Variant type: single nucleotide variant.
Coding change: c.1603G>A on transcript NM_001009944.3 (MANE Select); coding-DNA position 1603, G replaced by A.
Protein change: p.Gly535Arg; replaces glycine 535 with arginine.
Molecular consequence: missense variant.
Genome position (GRCh38, 1-based): chr16:2,116,836, C>T on the plus strand (G>A on the coding strand, the complement: PKD1 is on the minus strand). VCF-style: chr16-2116836-C-T. GRCh37 (hg19) VCF-style: chr16-2166837-C-T.
Other names: c.1603G>A, p.Gly535Arg (NM_000296.4); c.1603G>A (NM_000296.3); short protein forms G535R.
Identifiers: ClinVar variation 1312661 (VCV001312661.9), dbSNP rs776110243, ClinGen allele CA7833485.